The following is an entry in ClinVar:

ClinVar aggregate classification (germline): Uncertain significance. Review status: criteria provided, multiple submitters, no conflicts (2 of 4 stars). 2 submissions from 2 submitters: Uncertain significance (2). Last evaluated 2026-02-19.

gnomAD v4.1: 1 of 1,585,808 alleles (0.000063%); highest among the groups gnomAD compares: East Asian, 0.0022%; no homozygotes.

Submissions (2):

GeneDx
Classification: Uncertain significance. Last evaluated: 2026-02-19. Review status: criteria provided, single submitter. Criteria: GeneDx Variant Classification Process June 2021. Collection method: clinical testing. Allele origin: germline.
Comment: Not observed at significant frequency in large population cohorts (gnomAD); In silico analysis supports that this missense variant has a deleterious effect on protein structure/function; Has not been previously published as pathogenic or benign to our knowledge

Labcorp Genetics (formerly Invitae), Labcorp
Classification: Uncertain significance. Last evaluated: 2025-11-25. Review status: criteria provided, single submitter. Criteria: Invitae Variant Classification Sherloc (09022015). Collection method: clinical testing. Allele origin: germline.
Comment: This sequence change replaces glutamine, which is neutral and polar, with histidine, which is basic and polar, at codon 1621 of the TRRAP protein (p.Gln1621His). This variant is not present in population databases (gnomAD no frequency). This variant has not been reported in the literature in individuals affected with TRRAP-related conditions. Invitae Evidence Modeling of protein sequence and biophysical properties (such as structural, functional, and spatial information, amino acid conservation, physicochemical variation, residue mobility, and thermodynamic stability) indicates that this missense variant is not expected to disrupt TRRAP protein function with a negative predictive value of 80%. In summary, the available evidence is currently insufficient to determine the role of this variant in disease. Therefore, it has been classified as a Variant of Uncertain Significance.

NM_001375524.1(TRRAP):c.4938G>C (p.Gln1646His)

Gene: TRRAP (transformation/transcription domain associated protein; plus strand). Cytogenetic location: 7q22.1.
Variant type: single nucleotide variant.
Coding change: c.4938G>C on transcript NM_001375524.1 (MANE Select); coding-DNA position 4938, G replaced by C.
Protein change: p.Gln1646His; replaces glutamine 1646 with histidine.
Molecular consequence: missense variant.
Genome position (GRCh38, 1-based): chr7:98,949,566, G>C. VCF-style: chr7-98949566-G-C. GRCh37 (hg19) VCF-style: chr7-98547189-G-C.
Other names: c.4863G>C, p.Gln1621His (NM_003496.4); c.4917G>C, p.Gln1639His (NM_001244580.2); c.4863G>C (NM_003496.3); short protein forms Q1646H, Q1621H, Q1639H.
Identifiers: ClinVar variation 4744633 (VCV004744633.2).
Genomic context (GRCh38, chr7:98,949,566, plus strand): 5'-TGCCCAGACGGCTGTGCGCCCCGGTTCGCCCAGCACCAGCACCATGCGCCTGGACCTCCA[G>C]TTCCAGGCCATCAAGGTAGCGCCCCTTCCTCCAGCCCCCAATGCCCAGGGGTTTAATCGA-3'
Protein context (NP_001362453.1, residues 1636-1656): PSTSTMRLDL[Gln1646His]FQAIKIISII